The following is an entry in ClinVar:

NM_016239.4(MYO15A):c.7871T>A (p.Leu2624Gln)

Gene: MYO15A (myosin XVA; plus strand). Cytogenetic location: 17p11.2.
Variant type: single nucleotide variant.
Coding change: c.7871T>A on transcript NM_016239.4 (MANE Select); coding-DNA position 7871, T replaced by A.
Protein change: p.Leu2624Gln; replaces leucine 2624 with glutamine.
Molecular consequence: missense variant.
Genome position (GRCh38, 1-based): chr17:18,151,929, T>A. VCF-style: chr17-18151929-T-A. GRCh37 (hg19) VCF-style: chr17-18055243-T-A.
Other names: c.7871T>A (NM_016239.3); short protein forms L2624Q.
Identifiers: ClinVar variation 1475327 (VCV001475327.5), dbSNP rs1210288586, ClinGen allele CA398621901.

ClinVar aggregate classification (germline): Uncertain significance. Review status: criteria provided, multiple submitters, no conflicts (2 of 4 stars). 3 submissions from 3 submitters: Uncertain significance (3). Last evaluated 2024-07-09.

Conditions:
Inborn genetic diseases. Identifiers: MedGen C0950123, MeSH D030342.

Allele frequency attached by ClinVar (database versions not stated): gnomAD exomes below 0.00001 and 0.00001.
gnomAD v4.1: 1 of 1,564,062 alleles (0.000064%); highest among the groups gnomAD compares: Admixed American, 0.0019%; no homozygotes.

Submissions (3):

GeneDx
Classification: Uncertain significance. Last evaluated: 2024-07-09. Review status: criteria provided, single submitter. Criteria: GeneDx Variant Classification Process June 2021. Collection method: clinical testing. Allele origin: germline. Affected: yes.
Comment: Not observed at significant frequency in large population cohorts (gnomAD); In silico analysis indicates that this missense variant does not alter protein structure/function; Has not been previously published as pathogenic or benign to our knowledge

Ambry Genetics
Classification: Uncertain significance for Inborn genetic diseases. Last evaluated: 2024-06-16. Review status: criteria provided, single submitter. Criteria: Ambry Variant Classification Scheme 2023. Collection method: clinical testing. Allele origin: germline.

Labcorp Genetics (formerly Invitae), Labcorp
Classification: Uncertain significance. Last evaluated: 2021-08-30. Review status: criteria provided, single submitter. Criteria: Invitae Variant Classification Sherloc (09022015). Collection method: clinical testing. Allele origin: germline.
Comment: This sequence change replaces leucine with glutamine at codon 2624 of the MYO15A protein (p.Leu2624Gln). The leucine residue is moderately conserved and there is a moderate physicochemical difference between leucine and glutamine. This variant is not present in population databases (ExAC no frequency). This variant has not been reported in the literature in individuals affected with MYO15A-related conditions. Advanced modeling of protein sequence and biophysical properties (such as structural, functional, and spatial information, amino acid conservation, physicochemical variation, residue mobility, and thermodynamic stability) performed at Invitae indicates that this missense variant is not expected to disrupt MYO15A protein function. In summary, the available evidence is currently insufficient to determine the role of this variant in disease. Therefore, it has been classified as a Variant of Uncertain Significance.